The following is an entry in ClinVar:

ClinVar aggregate classification (germline): Pathogenic (1 of 4 stars; one submission).

Conditions:
Landau-Kleffner syndrome (FESD). Also called: APHASIA, ACQUIRED, WITH EPILEPSY; EPILEPSY, FOCAL, WITH SPEECH DISORDER AND WITH OR WITHOUT MENTAL RETARDATION. Identifiers: Orphanet 1945, Orphanet 725, Orphanet 98818, MedGen C0282512, MONDO:0009509, OMIM 245570.

Submission:

Labcorp Genetics (formerly Invitae), Labcorp
Classification: Pathogenic for Landau-Kleffner syndrome. Last evaluated: 2023-12-06. Review status: criteria provided, single submitter. Criteria: Invitae Variant Classification Sherloc (09022015). Collection method: clinical testing. Allele origin: germline.
Comment: This sequence change creates a premature translational stop signal (p.Pro269Glnfs*24) in the GRIN2A gene. It is expected to result in an absent or disrupted protein product. Loss-of-function variants in GRIN2A are known to be pathogenic (PMID: 23933819, 23933820). This variant is not present in population databases (gnomAD no frequency). This variant has not been reported in the literature in individuals affected with GRIN2A-related conditions. For these reasons, this variant has been classified as Pathogenic.

Literature cited by the submitters: PubMed 23933819; PubMed 23933820.

NM_001134407.3(GRIN2A):c.806del (p.Pro269fs)

Gene: GRIN2A (glutamate ionotropic receptor NMDA type subunit 2A; minus strand). Cytogenetic location: 16p13.2.
Variant type: Deletion.
Coding change: c.806del on transcript NM_001134407.3 (MANE Select); coding-DNA position 806, one base deleted (C; older notation c.806delC).
Protein change: p.Pro269fs; shifts the reading frame from proline 269.
Molecular consequence: frameshift variant.
Genome position (GRCh38, 1-based): chr16:9,938,160, G deleted on the plus strand (C on the coding strand, the reverse complement: GRIN2A is on the minus strand); the first of 3 consecutive G bases (chr16:9,938,160-9,938,162); deleting any one gives the same sequence. VCF-style (leftmost placement, unchanged base first): chr16-9938159-TG-T. GRCh37 (hg19) VCF-style: chr16-10032016-TG-T.
Other names: c.806del, p.Pro269fs (NM_000833.5, NM_001134408.2); short protein forms P269fs.
Identifiers: ClinVar variation 2701247 (VCV002701247.3), dbSNP rs2543141007, ClinGen allele CA2697555659.